The following is an entry in ClinVar:

NM_000158.4(GBE1):c.289G>A (p.Gly97Arg)

Gene: GBE1 (1,4-alpha-glucan branching enzyme 1; minus strand). Cytogenetic location: 3p12.2.
Variant type: single nucleotide variant.
Coding change: c.289G>A on transcript NM_000158.4 (MANE Select); coding-DNA position 289, G replaced by A.
Protein change: p.Gly97Arg; replaces glycine 97 with arginine.
Molecular consequence: missense variant.
Genome position (GRCh38, 1-based): chr3:81,705,468, C>T on the plus strand (G>A on the coding strand, the complement: GBE1 is on the minus strand). VCF-style: chr3-81705468-C-T. GRCh37 (hg19) VCF-style: chr3-81754619-C-T.
Other names: short protein forms G97R.
Identifiers: ClinVar variation 2143220 (VCV002143220.1), dbSNP rs1705760262, ClinGen allele CA353687649.
Genomic context (GRCh38, chr3:81,705,468, plus strand): 5'-ATATTACTATTTAGTTCAATGCTTTCAAGTACTTACTAAAATCTCCAGTAAGAAAAACTC[C>T]TTCTGCTCCCGGGGCCCATTCTTTGCAGTATAAACCACCATCAGCACATCTGTGGACGCC-3'
Protein context (NP_000149.4, residues 87-107): YCKEWAPGAE[Gly97Arg]VFLTGDFNGW

ClinVar aggregate classification (germline): Uncertain significance (1 of 4 stars; one submission).

Conditions:
Glycogen storage disease IV, classic hepatic. Also called: GSD IV, CLASSIC HEPATIC. Identifiers: MedGen C1856301.
Glycogen storage disease, type IV (GSD4). Also called: CIRRHOSIS, FAMILIAL, WITH DEPOSITION OF ABNORMAL GLYCOGEN; GBE1 DEFICIENCY; GLYCOGEN BRANCHING ENZYME DEFICIENCY; GLYCOGENOSIS IV; GSD IV; AMYLOPECTINOSIS. Identifiers: Orphanet 367, MedGen C0017923, MONDO:0009292, OMIM 232500.

Allele frequency attached by ClinVar (database versions not stated): TOPMed 0.00001.

Submission:

Labcorp Genetics (formerly Invitae), Labcorp
Classification: Uncertain significance for Glycogen storage disease, type IV; Glycogen storage disease IV, classic hepatic. Last evaluated: 2022-08-22. Review status: criteria provided, single submitter. Criteria: Invitae Variant Classification Sherloc (09022015). Collection method: clinical testing. Allele origin: germline.
Comment: This sequence change replaces glycine, which is neutral and non-polar, with arginine, which is basic and polar, at codon 97 of the GBE1 protein (p.Gly97Arg). This variant is not present in population databases (gnomAD no frequency). This variant has not been reported in the literature in individuals affected with GBE1-related conditions. Advanced modeling of protein sequence and biophysical properties (such as structural, functional, and spatial information, amino acid conservation, physicochemical variation, residue mobility, and thermodynamic stability) performed at Invitae indicates that this missense variant is not expected to disrupt GBE1 protein function. In summary, the available evidence is currently insufficient to determine the role of this variant in disease. Therefore, it has been classified as a Variant of Uncertain Significance.